The following is an entry in ClinVar:

ClinVar aggregate classification (germline): Likely pathogenic (1 of 4 stars; one submission).

Conditions:
alpha Thalassemia. Also called: Alpha thalassemia spectrum. Identifiers: Orphanet 846, MedGen C0002312, MONDO:0011399, OMIM 604131.

Submission:

Natera, Inc.
Classification: Likely pathogenic for Alpha thalassemia. Last evaluated: 2025-10-06. Review status: criteria provided, single submitter. Criteria: Natera Variant Classification Schema (03/2026). Collection method: clinical testing. Allele origin: germline.
Comment: The c.148_149del variant in HBA2 is a frameshift variant predicted to shift the reading frame beginning at codon 50 and leads to a stop codon 7 codons downstream. This variant is expected to result in nonsense mediated decay, truncation, or a dysfunctional protein product. This variant is rare in the general population with a frequency below the threshold expected for the associated phenotype(s). Given the available evidence, this variant is classified as Likely Pathogenic.

NM_000517.6(HBA2):c.148_149del (p.Ser50fs)

Genes: HBA2 (hemoglobin subunit alpha 2; plus strand), LOC106804612 (hemoglobin subunit alpha 2 recombination region; plus strand). Cytogenetic location: 16p13.3.
Variant type: Deletion.
Coding change: c.148_149del on transcript NM_000517.6 (MANE Select); coding-DNA positions 148 to 149, 2 bases deleted (AG; older notation c.148_149delAG).
Protein change: p.Ser50fs; shifts the reading frame from serine 50.
Molecular consequence: frameshift variant.
Genome position (GRCh38, 1-based): chr16:173,177-173,178, AG deleted; deleting any 2 consecutive bases within chr16:173,176-173,178 gives the same sequence; the c. name uses the placement nearest the transcript's 3' end. VCF-style (leftmost placement, unchanged base first): chr16-173175-TGA-T. GRCh37 (hg19) VCF-style: chr16-223174-TGA-T.
Other names: short protein forms S50fs.
Identifiers: ClinVar variation 4818628 (VCV004818628.1).